The following is an entry in ClinVar:

NM_032193.4(RNASEH2C):c.451C>T (p.Pro151Ser)

Gene: RNASEH2C (ribonuclease H2 subunit C; minus strand). Cytogenetic location: 11q13.1.
Variant type: single nucleotide variant.
Coding change: c.451C>T on transcript NM_032193.4 (MANE Select); coding-DNA position 451, C replaced by T.
Protein change: p.Pro151Ser; replaces proline 151 with serine.
Molecular consequence: missense variant.
Genome position (GRCh38, 1-based): chr11:65,720,062, G>A on the plus strand (C>T on the coding strand, the complement: RNASEH2C is on the minus strand). VCF-style: chr11-65720062-G-A. GRCh37 (hg19) VCF-style: chr11-65487533-G-A.
Other names: short protein forms P151S.
Identifiers: ClinVar variation 419543 (VCV000419543.8), dbSNP rs78464826, ClinGen allele CA6107686.

ClinVar aggregate classification (germline): Conflicting classifications of pathogenicity. Review status: criteria provided, conflicting classifications (1 of 4 stars). 5 submissions from 5 submitters: Pathogenic (3); Likely pathogenic (1); Uncertain significance (1). Last evaluated 2025-04-03.

Conditions:
Aicardi Goutieres syndrome (AGS). Also called: Encephalopathy, familial infantile, with calcification of basal ganglia and chronic cerebrospinal fluid lymphocytosis. Identifiers: Orphanet 51, MedGen C0393591, MONDO:0018866.
Aicardi-Goutieres syndrome 3. Identifiers: Orphanet 51, MedGen C1835916, MONDO:0012471, OMIM 610329.

Allele frequency attached by ClinVar (database versions not stated): gnomAD exomes below 0.00001; TOPMed below 0.00001; ExAC 0.00001.

Submissions (5):

Labcorp Genetics (formerly Invitae), Labcorp
Classification: Uncertain significance for Aicardi-Goutieres syndrome 3. Last evaluated: 2025-04-03. Review status: criteria provided, single submitter. Criteria: Invitae Variant Classification Sherloc (09022015). Collection method: clinical testing. Allele origin: germline.
Comment: This sequence change replaces proline, which is neutral and non-polar, with serine, which is neutral and polar, at codon 151 of the RNASEH2C protein (p.Pro151Ser). The frequency data for this variant in the population databases is considered unreliable, as metrics indicate poor data quality at this position in the gnomAD database. This missense change has been observed in individual(s) with clinical features of Aicardi-Goutieres syndrome (PMID: 17846997, 30315573, 32404165). ClinVar contains an entry for this variant (Variation ID: 419543). An algorithm developed to predict the effect of missense changes on protein structure and function (PolyPhen-2) suggests that this variant is likely to be disruptive. In summary, the available evidence is currently insufficient to determine the role of this variant in disease. Therefore, it has been classified as a Variant of Uncertain Significance.

Fulgent Genetics
Classification: Pathogenic for Aicardi-Goutieres syndrome 3. Last evaluated: 2024-06-19. Review status: criteria provided, single submitter. Criteria: ACMG Guidelines, 2015. Collection method: clinical testing. Allele origin: germline.

Women's Health and Genetics/Laboratory Corporation of America, LabCorp
Classification: Pathogenic for Aicardi Goutieres syndrome. Last evaluated: 2024-06-18. Review status: criteria provided, single submitter. Criteria: LabCorp Variant Classification Summary - May 2015. Collection method: clinical testing. Allele origin: germline.
Comment: Variant summary: RNASEH2C c.451C>T (p.Pro151Ser) results in a non-conservative amino acid change in the encoded protein sequence. Five of five in-silico tools predict a damaging effect of the variant on protein function. The variant allele was found at a frequency of 4e-06 in 251072 control chromosomes. c.451C>T has been reported in the literature in multiple biallelic individuals affected with Aicardi Goutieres Syndrome (Rice_2007, Rice_2013, Issa_2022, Armangue_2017, Kahrizi_2019). These data indicate that the variant is very likely to be associated with disease. At least one publication reports experimental evidence evaluating an impact on protein function. The most pronounced variant effect results in significantly reduced RNase H2 activity in transfected bacterial cells (Reijns_2011). The following publications have been ascertained in the context of this evaluation (PMID: 28739201, 25604658, 32404165, 30315573, 21177854, 17846997, 24183309). ClinVar contains an entry for this variant (Variation ID: 419543). Based on the evidence outlined above, the variant was classified as pathogenic.

Department of Pathology and Laboratory Medicine, Sinai Health System
Classification: Likely pathogenic for Aicardi-Goutieres syndrome 3. Last evaluated: 2022-06-20. Review status: criteria provided, single submitter. Criteria: ACMG Guidelines, 2015. Collection method: research. Allele origin: germline.

GeneDx
Classification: Pathogenic. Last evaluated: 2015-07-31. Review status: criteria provided, single submitter. Criteria: GeneDx Variant Classification (06012015). Collection method: clinical testing. Allele origin: germline. Affected: yes.
Comment: The P151S variant in the RNASEH2C gene has been reported previously multiples times in individualswith a clinical diagnosis of AGS (Rice et al., 2007). The P151S substitution was not observed inapproximately 6,500 individuals of European and African American ancestry in the NHLBI ExomeSequencing Project, indicating it is not a common benign variant in these populations. The P151S variantis a non-conservative amino acid substitution, which is likely to impact secondary protein structure as theseresidues differ in polarity, charge, size and/or other properties. This substitution occurs at a position that isconserved across species. In silico analysis is inconsistent in its predictions as to whether or not thevariant is damaging to the protein structure/function. We interpret P151S as a pathogenic variant.

Literature cited by the submitters: PubMed 17846997 (cited by Labcorp Genetics (formerly Invitae), Labcorp and Women's Health and Genetics/Laboratory Corporation of America, LabCorp); PubMed 30315573 (cited by Labcorp Genetics (formerly Invitae), Labcorp and Women's Health and Genetics/Laboratory Corporation of America, LabCorp); PubMed 32404165 (cited by Labcorp Genetics (formerly Invitae), Labcorp and Women's Health and Genetics/Laboratory Corporation of America, LabCorp); PubMed 25604658 (cited by Women's Health and Genetics/Laboratory Corporation of America, LabCorp); PubMed 24183309 (cited by Women's Health and Genetics/Laboratory Corporation of America, LabCorp); PubMed 28739201 (cited by Women's Health and Genetics/Laboratory Corporation of America, LabCorp); PubMed 21177854 (cited by Women's Health and Genetics/Laboratory Corporation of America, LabCorp).